The following is an entry in ClinVar:

ClinVar aggregate classification (germline): Uncertain significance (1 of 4 stars; one submission).

Conditions:
Myopathy, proximal, and ophthalmoplegia (CMYO6). Also called: MYOPATHY WITH CONGENITAL JOINT CONTRACTURES, OPHTHALMOPLEGIA, AND RIMMED VACUOLES; INCLUSION BODY MYOPATHY 3, AUTOSOMAL DOMINANT; CONGENITAL MYOPATHY 6 WITH OPHTHALMOPLEGIA. Identifiers: Orphanet 363677, Orphanet 79091, MedGen C1854106, MONDO:0011577, OMIM 605637.

Submission:

Labcorp Genetics (formerly Invitae), Labcorp
Classification: Uncertain significance for Myopathy, proximal, and ophthalmoplegia. Last evaluated: 2024-01-13. Review status: criteria provided, single submitter. Criteria: Invitae Variant Classification Sherloc (09022015). Collection method: clinical testing. Allele origin: germline.
Comment: This sequence change replaces threonine, which is neutral and polar, with alanine, which is neutral and non-polar, at codon 1857 of the MYH2 protein (p.Thr1857Ala). This variant is not present in population databases (gnomAD no frequency). This variant has not been reported in the literature in individuals affected with MYH2-related conditions. Advanced modeling of protein sequence and biophysical properties (such as structural, functional, and spatial information, amino acid conservation, physicochemical variation, residue mobility, and thermodynamic stability) performed at Invitae indicates that this missense variant is not expected to disrupt MYH2 protein function with a negative predictive value of 80%. In summary, the available evidence is currently insufficient to determine the role of this variant in disease. Therefore, it has been classified as a Variant of Uncertain Significance.

NM_017534.6(MYH2):c.5569A>G (p.Thr1857Ala)

Genes: MYHAS (myosin heavy chain gene cluster antisense RNA; plus strand), MYH2 (myosin heavy chain 2; minus strand). Cytogenetic location: 17p13.1.
Variant type: single nucleotide variant.
Coding change: c.5569A>G on transcript NM_017534.6 (MANE Select); coding-DNA position 5569, A replaced by G.
Protein change: p.Thr1857Ala; replaces threonine 1857 with alanine.
Molecular consequence: missense variant.
Genome position (GRCh38, 1-based): chr17:10,523,316, T>C on the plus strand (A>G on the coding strand, the complement: MYH2 is on the minus strand). VCF-style: chr17-10523316-T-C. GRCh37 (hg19) VCF-style: chr17-10426633-T-C.
Other names: c.5569A>G, p.Thr1857Ala (NM_001100112.2); short protein forms T1857A.
Identifiers: ClinVar variation 2874977 (VCV002874977.3), dbSNP rs2508407640, ClinGen allele CA398114676.